The following is an entry in ClinVar:

ClinVar aggregate classification (germline): Uncertain significance. Review status: criteria provided, multiple submitters, no conflicts (2 of 4 stars). 2 submissions from 2 submitters: Uncertain significance (2). Last evaluated 2024-01-30.

Conditions:
Cerebral creatine deficiency syndrome. Also called: Creatine deficiency syndromes. Identifiers: Orphanet 79172, MedGen C5244016, MONDO:0000456.

Allele frequency attached by ClinVar (database versions not stated): gnomAD exomes below 0.00001.

Submissions (2):

Blueprint Genetics
Classification: Uncertain significance. Last evaluated: 2024-01-30. Review status: criteria provided, single submitter. Criteria: ACMG Guidelines, 2015. Collection method: clinical testing. Allele origin: germline.

Labcorp Genetics (formerly Invitae), Labcorp
Classification: Uncertain significance for Cerebral creatine deficiency syndrome. Last evaluated: 2021-12-02. Review status: criteria provided, single submitter. Criteria: Invitae Variant Classification Sherloc (09022015). Collection method: clinical testing. Allele origin: germline.
Comment: This sequence change replaces glycine, which is neutral and non-polar, with aspartic acid, which is acidic and polar, at codon 201 of the GAMT protein (p.Gly201Asp). This variant is not present in population databases (gnomAD no frequency). This variant has not been reported in the literature in individuals affected with GAMT-related conditions. Algorithms developed to predict the effect of missense changes on protein structure and function are either unavailable or do not agree on the potential impact of this missense change (SIFT: "Deleterious"; PolyPhen-2: "Probably Damaging"; Align-GVGD: "Class C0"). In summary, the available evidence is currently insufficient to determine the role of this variant in disease. Therefore, it has been classified as a Variant of Uncertain Significance.

NM_000156.6(GAMT):c.602G>A (p.Gly201Asp)

Gene: GAMT (guanidinoacetate N-methyltransferase; minus strand). Cytogenetic location: 19p13.3.
Variant type: single nucleotide variant.
Coding change: c.602G>A on transcript NM_000156.6 (MANE Select); coding-DNA position 602, G replaced by A.
Protein change: p.Gly201Asp; replaces glycine 201 with aspartic acid.
Molecular consequence: missense variant.
Genome position (GRCh38, 1-based): chr19:1,397,468, C>T on the plus strand (G>A on the coding strand, the complement: GAMT is on the minus strand). VCF-style: chr19-1397468-C-T. GRCh37 (hg19) VCF-style: chr19-1397467-C-T.
Other names: short protein forms G201D.
Identifiers: ClinVar variation 1377502 (VCV001377502.6), dbSNP rs2082607153, ClinGen allele CA402990909.